The following is an entry in ClinVar:

ClinVar aggregate classification (germline): Uncertain significance. Review status: criteria provided, multiple submitters, no conflicts (2 of 4 stars). 2 submissions from 2 submitters: Uncertain significance (2). Last evaluated 2025-09-10.

Conditions:
Inborn genetic diseases. Identifiers: MedGen C0950123, MeSH D030342.
Palatal anomalies-widely spaced teeth-facial dysmorphism-developmental delay syndrome. Also called: Cleft palate, psychomotor retardation, and distinctive facial features. Identifiers: Orphanet 477993, MedGen C4225229, MONDO:0014751, OMIM 616728.

gnomAD v4.1: 5 of 1,415,296 alleles (0.00035%); highest among the groups gnomAD compares: South Asian, 0.0076%; no homozygotes.

Submissions (2):

Genomic Medicine Center of Excellence, King Faisal Specialist Hospital and Research Centre
Classification: Uncertain significance for Palatal anomalies-widely spaced teeth-facial dysmorphism-developmental delay syndrome. Last evaluated: 2025-09-10. Review status: criteria provided, single submitter. Criteria: ACMG Guidelines, 2015. Collection method: clinical testing. Allele origin: germline.

Ambry Genetics
Classification: Uncertain significance for Inborn genetic diseases. Last evaluated: 2024-11-26. Review status: criteria provided, single submitter. Criteria: Ambry Variant Classification Scheme 2023. Collection method: clinical testing. Allele origin: germline.
Comment: The p.G73R variant (also known as c.217G>C), located in coding exon 1 of the KDM1A gene, results from a G to C substitution at nucleotide position 217. The glycine at codon 73 is replaced by arginine, an amino acid with dissimilar properties. This amino acid position is conserved. In addition, this alteration is predicted to be tolerated by in silico analysis. Based on the available evidence, the clinical significance of this variant remains unclear.

NM_001009999.3(KDM1A):c.217G>C (p.Gly73Arg)

Gene: KDM1A (lysine demethylase 1A; plus strand). Cytogenetic location: 1p36.12.
Variant type: single nucleotide variant.
Coding change: c.217G>C on transcript NM_001009999.3 (MANE Select); coding-DNA position 217, G replaced by C.
Protein change: p.Gly73Arg; replaces glycine 73 with arginine.
Molecular consequence: missense variant.
Genome position (GRCh38, 1-based): chr1:23,019,813, G>C. VCF-style: chr1-23019813-G-C. GRCh37 (hg19) VCF-style: chr1-23346306-G-C.
Other names: c.217G>C, p.Gly73Arg (NM_001363654.2, NM_001410762.1, NM_001410763.1 and 1 more transcripts); short protein forms G73R.
Identifiers: ClinVar variation 3532944 (VCV003532944.2).